The following is an entry in ClinVar:

ClinVar aggregate classification (germline): Uncertain significance (1 of 4 stars; one submission).

Conditions:
Emery-Dreifuss muscular dystrophy 4, autosomal dominant (EDMD4). Also called: EMERY-DREIFUSS MUSCULAR DYSTROPHY 4 WITH VARIABLE FEATURES. Identifiers: Orphanet 261, MedGen C2751807, MONDO:0013071, OMIM 612998.
Autosomal recessive ataxia, Beauce type. Also called: Spinocerebellar ataxia, autosomal recessive 8; ATAXIA, RECESSIVE, OF BEAUCE; SYNE1-Related Autosomal Recessive Cerebellar Ataxia; SYNE1 Deficiency. Identifiers: Orphanet 88644, MedGen C1853116, MONDO:0012549, OMIM 610743.

Allele frequency attached by ClinVar (database versions not stated): gnomAD exomes below 0.00001; TOPMed 0.00002; gnomAD 0.00003; ESP Exome Variant Server 0.00008.
gnomAD v4.1: 10 of 1,614,108 alleles (0.00062%); highest among the groups gnomAD compares: Non-Finnish European, 0.00085%; no homozygotes.

Submission:

Labcorp Genetics (formerly Invitae), Labcorp
Classification: Uncertain significance for Emery-Dreifuss muscular dystrophy 4, autosomal dominant; Autosomal recessive ataxia, Beauce type. Last evaluated: 2020-06-04. Review status: criteria provided, single submitter. Criteria: Invitae Variant Classification Sherloc (09022015). Collection method: clinical testing. Allele origin: germline.
Comment: In summary, the available evidence is currently insufficient to determine the role of this variant in disease. Therefore, it has been classified as a Variant of Uncertain Significance. Algorithms developed to predict the effect of missense changes on protein structure and function (SIFT, PolyPhen-2, Align-GVGD) all suggest that this variant is likely to be disruptive, but these predictions have not been confirmed by published functional studies and their clinical significance is uncertain. This variant has not been reported in the literature in individuals with SYNE1-related conditions. This variant is not present in population databases (ExAC no frequency). This sequence change replaces histidine with arginine at codon 4505 of the SYNE1 protein (p.His4505Arg). The histidine residue is highly conserved and there is a small physicochemical difference between histidine and arginine.

NM_182961.4(SYNE1):c.13727A>G (p.His4576Arg)

Gene: SYNE1 (spectrin repeat containing nuclear envelope protein 1; minus strand). Cytogenetic location: 6q25.2.
Variant type: single nucleotide variant.
Coding change: c.13727A>G on transcript NM_182961.4 (MANE Select); coding-DNA position 13727, A replaced by G.
Protein change: p.His4576Arg; replaces histidine 4576 with arginine.
Molecular consequence: missense variant.
Genome position (GRCh38, 1-based): chr6:152,330,958, T>C on the plus strand (A>G on the coding strand, the complement: SYNE1 is on the minus strand). VCF-style: chr6-152330958-T-C. GRCh37 (hg19) VCF-style: chr6-152652093-T-C.
Other names: c.13514A>G, p.His4505Arg (NM_033071.5); short protein forms H4576R, H4505R.
Identifiers: ClinVar variation 934951 (VCV000934951.7), dbSNP rs375344467, ClinGen allele CA150177289.
Genomic context (GRCh38, chr6:152,330,958, plus strand): 5'-GAACTCTCATTCATTAGGTTGATTTCAGGAAATGTAACAATATCTGCTTGTTTTAGCCAG[T>C]GGCAAGCTTTATCAAAATCTTCCTTAAAATGCTTCCTAGAAACCAAATTCTTCTCTAGTT-3'
Protein context (NP_892006.3, residues 4566-4586): HFKEDFDKAC[His4576Arg]WLKQADIVTF